The following is an entry in ClinVar:

ClinVar aggregate classification (germline): Conflicting classifications of pathogenicity. Review status: criteria provided, conflicting classifications (1 of 4 stars). 3 submissions from 3 submitters: Uncertain significance (2); Likely benign (1). Last evaluated 2025-02-15.

Conditions:
Osteogenesis imperfecta type I (OI1). Also called: Lobstein disease; Classic Non-deforming Osteogenesis Imperfecta with Blue Sclerae; OI, TYPE I; OSTEOGENESIS IMPERFECTA TARDA; OSTEOGENESIS IMPERFECTA WITH BLUE SCLERAE; Osteogenesis imperfecta type 1. Identifiers: Orphanet 216796, Orphanet 666, MedGen C0023931, MONDO:0008146, OMIM 166200. Disease mechanism: loss of function.

Allele frequency attached by ClinVar (database versions not stated): TOPMed below 0.00001; ExAC 0.00001; gnomAD exomes 0.00001; ESP Exome Variant Server 0.00008.

Submissions (3):

Labcorp Genetics (formerly Invitae), Labcorp
Classification: Likely benign for Osteogenesis imperfecta type I. Last evaluated: 2025-02-15. Review status: criteria provided, single submitter. Criteria: Invitae Variant Classification Sherloc (09022015). Collection method: clinical testing. Allele origin: germline.

GeneDx
Classification: Uncertain significance. Last evaluated: 2024-11-26. Review status: criteria provided, single submitter. Criteria: GeneDx Variant Classification Process June 2021. Collection method: clinical testing. Allele origin: germline. Affected: yes.
Comment: Not observed at significant frequency in large population cohorts (gnomAD); In silico analysis indicates that this missense variant does not alter protein structure/function; Has not been previously published as pathogenic or benign to our knowledge; Occurs in the triple helical domain at the X position in the canonical Gly-X-Y repeat; although this variant may have an effect on normal protein folding and function, missense substitution at the X position is not a common mechanism of disease (HGMD)

Mayo Clinic Laboratories, Mayo Clinic
Classification: Uncertain significance. Last evaluated: 2024-05-29. Review status: criteria provided, single submitter. Criteria: ACMG Guidelines, 2015. Collection method: clinical testing. Allele origin: germline. Observed: 1 variant allele.
Comment: BP4, PP2

NM_000088.4(COL1A1):c.2842A>G (p.Thr948Ala)

Gene: COL1A1 (collagen type I alpha 1 chain; minus strand). Cytogenetic location: 17q21.33.
Variant type: single nucleotide variant.
Coding change: c.2842A>G on transcript NM_000088.4 (MANE Select); coding-DNA position 2842, A replaced by G.
Protein change: p.Thr948Ala; replaces threonine 948 with alanine.
Molecular consequence: missense variant.
Genome position (GRCh38, 1-based): chr17:50,189,263, T>C on the plus strand (A>G on the coding strand, the complement: COL1A1 is on the minus strand). VCF-style: chr17-50189263-T-C. GRCh37 (hg19) VCF-style: chr17-48266624-T-C.
Other names: p.Thr948Ala; short protein forms T948A.
Identifiers: ClinVar variation 2883791 (VCV002883791.5), dbSNP rs371705356, ClinGen allele CA8644652.